The following is an entry in ClinVar:

NM_000264.5(PTCH1):c.1673C>T (p.Ala558Val)

Gene: PTCH1 (patched 1; minus strand). Cytogenetic location: 9q22.32.
Variant type: single nucleotide variant.
Coding change: c.1673C>T on transcript NM_000264.5 (MANE Select); coding-DNA position 1673, C replaced by T.
Protein change: p.Ala558Val; replaces alanine 558 with valine.
Molecular consequence: missense variant. On other transcripts: non-coding transcript variant (1).
Genome position (GRCh38, 1-based): chr9:95,476,089, G>A on the plus strand (C>T on the coding strand, the complement: PTCH1 is on the minus strand). VCF-style: chr9-95476089-G-A. GRCh37 (hg19) VCF-style: chr9-98238371-G-A.
Other names: c.1475C>T, p.Ala492Val (NM_001083602.3); c.1670C>T, p.Ala557Val (NM_001083603.3); c.1220C>T, p.Ala407Val (NM_001083604.3, NM_001083605.3, NM_001083606.3 and 1 more transcripts); c.1517C>T, p.Ala506Val (NM_001354918.2); short protein forms A492V, A407V, A506V, A557V, A558V.
Identifiers: ClinVar variation 2016412 (VCV002016412.4), dbSNP rs2118253115, ClinGen allele CA374117985.

ClinVar aggregate classification (germline): Uncertain significance (1 of 4 stars; one submission).

Conditions:
Gorlin syndrome. Also called: Nevoid Basal Cell Carcinoma Syndrome; Basal cell nevus syndrome. Identifiers: Orphanet 377, MedGen C0004779, MONDO:0007187.

Submission:

Labcorp Genetics (formerly Invitae), Labcorp
Classification: Uncertain significance for Gorlin syndrome. Last evaluated: 2022-10-13. Review status: criteria provided, single submitter. Criteria: Invitae Variant Classification Sherloc (09022015). Collection method: clinical testing. Allele origin: germline.
Comment: This sequence change replaces alanine, which is neutral and non-polar, with valine, which is neutral and non-polar, at codon 558 of the PTCH1 protein (p.Ala558Val). This variant is not present in population databases (gnomAD no frequency). This variant has not been reported in the literature in individuals affected with PTCH1-related conditions. Advanced modeling of protein sequence and biophysical properties (such as structural, functional, and spatial information, amino acid conservation, physicochemical variation, residue mobility, and thermodynamic stability) performed at Invitae indicates that this missense variant is not expected to disrupt PTCH1 protein function. In summary, the available evidence is currently insufficient to determine the role of this variant in disease. Therefore, it has been classified as a Variant of Uncertain Significance.